The following is an entry in ClinVar:

ClinVar aggregate classification (germline): Pathogenic (1 of 4 stars; one submission).

Submission:

Labcorp Genetics (formerly Invitae), Labcorp
Classification: Pathogenic. Last evaluated: 2021-12-10. Review status: criteria provided, single submitter. Criteria: Invitae Variant Classification Sherloc (09022015). Collection method: clinical testing. Allele origin: germline.
Comment: This variant disrupts a region of the USH2A protein in which other variant(s) (p.Tyr1123Cys) have been determined to be pathogenic (PMID: 24367894, 26927203, 33576794; Invitae). This suggests that this is a clinically significant region of the protein, and that variants that disrupt it are likely to be disease-causing. For these reasons, this variant has been classified as Pathogenic. Experimental studies and prediction algorithms are not available or were not evaluated, and the functional significance of this variant is currently unknown. This variant has not been reported in the literature in individuals affected with USH2A-related conditions. This variant is a gross deletion of the genomic region encompassing exon(s) 14-20 of the USH2A gene. This variant would be expected to be in-frame, preserving the integrity of the reading frame.

Literature cited by the submitters: PubMed 24367894; PubMed 26927203; PubMed 33576794.

NC_000001.10:g.(?_216363555)_(216405488_?)del

Gene: USH2A (usherin; minus strand). Cytogenetic location: 1q41.
Variant type: Deletion.
Identifiers: ClinVar variation 2427730 (VCV002427730.3).